The following is an entry in ClinVar:

NM_172107.4(KCNQ2):c.689A>G (p.Lys230Arg)

Gene: KCNQ2 (potassium voltage-gated channel subfamily Q member 2; minus strand). Cytogenetic location: 20q13.33.
Variant type: single nucleotide variant.
Coding change: c.689A>G on transcript NM_172107.4 (MANE Select); coding-DNA position 689, A replaced by G.
Protein change: p.Lys230Arg; replaces lysine 230 with arginine.
Molecular consequence: missense variant.
Genome position (GRCh38, 1-based): chr20:63,444,660, T>C on the plus strand (A>G on the coding strand, the complement: KCNQ2 is on the minus strand). VCF-style: chr20-63444660-T-C. GRCh37 (hg19) VCF-style: chr20-62076013-T-C.
Other names: c.689A>G, p.Lys230Arg (NM_001382235.1, NM_004518.6, NM_172106.3 and 2 more transcripts); short protein forms K230R.
Identifiers: ClinVar variation 3661649 (VCV003661649.2).

ClinVar aggregate classification (germline): Pathogenic (1 of 4 stars; one submission).

Conditions:
Early-infantile DEE. Also called: Ohtahara syndrome; Early infantile epileptic encephalopathy; Early infantile epileptic encephalopathy with suppression bursts. Identifiers: Orphanet 1934, MedGen C0393706, MONDO:0800491.

Submission:

Labcorp Genetics (formerly Invitae), Labcorp
Classification: Pathogenic for Early-infantile DEE. Last evaluated: 2024-09-20. Review status: criteria provided, single submitter. Criteria: Invitae Variant Classification Sherloc (09022015). Collection method: clinical testing. Allele origin: germline.
Comment: This sequence change replaces lysine, which is basic and polar, with arginine, which is basic and polar, at codon 230 of the KCNQ2 protein (p.Lys230Arg). This variant is not present in population databases (gnomAD no frequency). This missense change has been observed in individual(s) with clinical features of KCNQ2-related conditions (internal data). In at least one individual the variant was observed to be de novo. An algorithm developed to predict the effect of missense changes on protein structure and function (PolyPhen-2) suggests that this variant is likely to be disruptive. This variant disrupts the p.Lys230 amino acid residue in KCNQ2. Other variant(s) that disrupt this residue have been determined to be pathogenic (internal data). This suggests that this residue is clinically significant, and that variants that disrupt this residue are likely to be disease-causing. For these reasons, this variant has been classified as Pathogenic.